The following is an entry in ClinVar:

ClinVar aggregate classification (germline): Uncertain significance. Review status: criteria provided, multiple submitters, no conflicts (2 of 4 stars). 2 submissions from 2 submitters: Uncertain significance (2). Last evaluated 2022-05-12.

Conditions:
Epidermolysis bullosa simplex 3, localized or generalized intermediate, with BP230 deficiency (EBS3). Also called: Epidermolysis bullosa simplex due to BP230 deficiency; Epidermolysis bullosa simplex, autosomal recessive 2. Identifiers: Orphanet 412181, MedGen C3809470, MONDO:0014180, OMIM 615425.
Hereditary sensory and autonomic neuropathy type 6. Also called: Neuropathy, hereditary sensory and autonomic, type VI; HSAN VI. Identifiers: Orphanet 314381, MedGen C3539003, MONDO:0013839, OMIM 614653.
Inborn genetic diseases. Identifiers: MedGen C0950123, MeSH D030342.

Allele frequency attached by ClinVar (database versions not stated): ExAC 0.00001; gnomAD 0.00001; gnomAD exomes 0.00001 and 0.00002; TOPMed 0.00002.
gnomAD v4.1: 35 of 1,613,774 alleles (0.0022%); highest among the groups gnomAD compares: Non-Finnish European, 0.003%; no homozygotes.

Submissions (2):

Labcorp Genetics (formerly Invitae), Labcorp
Classification: Uncertain significance for Epidermolysis bullosa simplex 3, localized or generalized intermediate, with BP230 deficiency; Hereditary sensory and autonomic neuropathy type 6. Last evaluated: 2022-05-12. Review status: criteria provided, single submitter. Criteria: Invitae Variant Classification Sherloc (09022015). Collection method: clinical testing. Allele origin: germline.
Comment: This sequence change replaces histidine, which is basic and polar, with tyrosine, which is neutral and polar, at codon 2639 of the DST protein (p.His2639Tyr). In summary, the available evidence is currently insufficient to determine the role of this variant in disease. Therefore, it has been classified as a Variant of Uncertain Significance. Experimental studies and prediction algorithms are not available or were not evaluated, and the functional significance of this variant is currently unknown. This variant has not been reported in the literature in individuals affected with DST-related conditions. This variant is present in population databases (rs769516610, gnomAD 0.002%). The DST gene has multiple clinically relevant transcripts. This variant occurs in alternate transcript NM_015548.4, and corresponds to NM_001723.5:c.*62509C>T in the primary transcript.

Ambry Genetics
Classification: Uncertain significance for Inborn genetic diseases. Last evaluated: 2022-03-07. Review status: criteria provided, single submitter. Criteria: Ambry Variant Classification Scheme 2023. Collection method: clinical testing. Allele origin: germline.
Comment: The p.H3143Y variant (also known as c.9427C>T), located in coding exon 55 of the DST gene, results from a C to T substitution at nucleotide position 9427. The histidine at codon 3143 is replaced by tyrosine, an amino acid with similar properties. This amino acid position is not well conserved in available vertebrate species. In addition, this alteration is predicted to be tolerated by in silico analysis. Since supporting evidence is limited at this time, the clinical significance of this alteration remains unclear.

NM_001374736.1(DST):c.15784C>T (p.His5262Tyr)

Gene: DST (dystonin; minus strand). Cytogenetic location: 6p12.1.
Variant type: single nucleotide variant.
Coding change: c.15784C>T on transcript NM_001374736.1 (MANE Select); coding-DNA position 15784, C replaced by T.
Protein change: p.His5262Tyr; replaces histidine 5262 with tyrosine.
Molecular consequence: missense variant.
Genome position (GRCh38, 1-based): chr6:56,553,008, G>A on the plus strand (C>T on the coding strand, the complement: DST is on the minus strand). VCF-style: chr6-56553008-G-A. GRCh37 (hg19) VCF-style: chr6-56417806-G-A.
Other names: c.9427C>T, p.His3143Tyr (NM_001144769.5); c.9013C>T, p.His3005Tyr (NM_001144770.2); c.15784C>T, p.His5262Tyr (NM_001374722.1); c.15151C>T, p.His5051Tyr (NM_001374729.1); c.8893C>T, p.His2965Tyr (NM_001374730.1, NM_001386100.1, NM_183380.4); c.15811C>T, p.His5271Tyr (NM_001374734.1); c.7915C>T, p.His2639Tyr (NM_015548.5); short protein forms H2639Y, H3005Y, H5051Y, H5262Y, H5271Y, H3143Y, H2965Y.
Identifiers: ClinVar variation 1423508 (VCV001423508.9), dbSNP rs769516610, ClinGen allele CA3867772.